The following is an entry in ClinVar:

NC_000024.10:g.2787734C>T

Genes: SRY (sex determining region Y; minus strand), LOC108178989 (SRY promoter region; plus strand). Cytogenetic location: Yp11.2.
Variant type: single nucleotide variant.
Genome position: GRCh38 VCF-style: chrY-2787734-C-T. GRCh37 (hg19) VCF-style: chrY-2655775-C-T.
Identifiers: ClinVar variation 1433108 (VCV001433108.6), dbSNP rs2124486449, ClinGen allele CA2573159670.

ClinVar aggregate classification (germline): Uncertain significance (1 of 4 stars; one submission).

Conditions:
46,XY sex reversal 1. Also called: SRY-related 46,XY complete gonadal dysgenesis; 46,XY SEX REVERSAL, SRY-RELATED. Identifiers: Orphanet 242, MedGen C2748896, MONDO:0020712, OMIM 400044.

Submission:

Labcorp Genetics (formerly Invitae), Labcorp
Classification: Uncertain significance for 46,XY sex reversal 1. Last evaluated: 2021-07-27. Review status: criteria provided, single submitter. Criteria: Invitae Variant Classification Sherloc (09022015). Collection method: clinical testing. Allele origin: germline.
Comment: In summary, the available evidence is currently insufficient to determine the role of this variant in disease. Therefore, it has been classified as a Variant of Uncertain Significance. Experimental studies and prediction algorithms are not available or were not evaluated, and the functional significance of this variant is currently unknown. This variant has been observed in individual(s) with clinical features of SRY-related conditions (Invitae). The frequency data for this variant in the population databases is considered unreliable, as metrics indicate insufficient coverage at this position in the ExAC database. This variant occurs in a non-coding region of the SRY gene. It does not change the encoded amino acid sequence of the SRY protein.